The following continues an entry in ClinVar:

NM_007294.4(BRCA1):c.4964_4982del (p.Ser1655fs)

Gene: BRCA1. ClinVar aggregate classification (germline): Pathogenic. Pathogenic (1).

Submissions 7 to 18 of 30:

ARUP Laboratories, Molecular Genetics and Genomics, ARUP Laboratories
Classification: Pathogenic. Last evaluated: 2024-06-24. Review status: criteria provided, single submitter. Criteria: ARUP Molecular Germline Variant Investigation Process 2024. Collection method: clinical testing. Allele origin: germline. Not counted in ClinVar's aggregate classification.
Comment: The BRCA1 c.4964_4982del; p.Ser1655TyrfsTer16 variant (rs80359876), also known as 5083del19, is reported in the literature in multiple individuals and families affected with hereditary breast and ovarian cancer (Couch 1997, Finch 2016, Giannini 2006, John 2007), and is considered a founder mutation in Italy (Baudi 2001, Mucaki 2016, Nedelcu 2002, Russo 2007, Russo 2009). This variant is reported as pathogenic by multiple laboratories in ClinVar (Variation ID: 37616), and is absent from the Genome Aggregation Database (v2.1.1), indicating it is not a common polymorphism. This variant causes a frameshift by deleting 19 nucleotides, so it is predicted to result in a truncated protein or mRNA subject to nonsense-mediated decay. Functional analyses of the variant protein show a truncated protein product and major changes to the transcriptional profile of cells with the variant (Quaresima 2008). Based on available information, the p.Ser1655TyrfsTer16 variant is considered to be pathogenic. References: Baudi F et al. Evidence of a founder mutation of BRCA1 in a highly homogeneous population from southern Italy with breast/ovarian cancer. Hum Mutat. 2001 Aug;18(2):163-4. PMID: 11462242. Couch FJ et al. BRCA1 mutations in women attending clinics that evaluate the risk of breast cancer. N Engl J Med. 1997 May 15;336(20):1409-15. PMID: 9145677. Finch A et al. Genetic testing for BRCA1 and BRCA2 in the Province of Ontario. Clin Genet. 2016 Mar;89(3):304-11. PMID: 26219728. Giannini G et al. Novel BRCA1 and BRCA2 germline mutations and assessment of mutation spectrum and prevalence in Italian breast and/or ovarian cancer families. Breast Cancer Res Treat. 2006 Nov;100(1):83-91. PMID: 16847550. John EM et al. Prevalence of pathogenic BRCA1 mutation carriers in 5 US racial/ethnic groups. JAMA. 2007 Dec 26;298(24):2869-76. PMID: 18159056. Mucaki EJ et al. A unified analytic framework for prioritization of non-coding variants of uncertain significance in heritable breast and ovarian cancer. BMC Med Genomics. 2016 Apr 11;9:19. PMID: 27067391. Nedelcu R et al. BRCA mutations in Italian breast/ovarian cancer families. Eur J Hum Genet. 2002 Feb;10(2):150-2. PMID: 11938448. Russo A et al. BRCA1 genetic testing in 106 breast and ovarian cancer families from Southern Italy (Sicily): a mutation analyses. Breast Cancer Res Treat. 2007 Nov;105(3):267-76. PMID: 17221156. Russo A et al. Is BRCA1-5083del19, identified in breast cancer patients of Sicilian origin, a Calabrian founder mutation? Breast Cancer Res Treat. 2009 Jan;113(1):67-70. PMID: 18228134. Quaresima B et al. BRCA1 5083del19 mutant allele selectively up-regulates periostin expression in vitro and in vivo. Clin Cancer Res. 2008 Nov 1;14(21):6797-803. PMID: 18980973.

Blueprint Genetics
Classification: Pathogenic for BRCA1-related disorders. Last evaluated: 2024-06-03. Review status: criteria provided, single submitter. Criteria: ACMG Guidelines, 2015. Collection method: clinical testing. Allele origin: germline. Affected: yes. Observed: 2 variant alleles. Not counted in ClinVar's aggregate classification.

Baylor Genetics
Classification: Pathogenic for Breast-ovarian cancer, familial, susceptibility to, 1. Last evaluated: 2024-03-04. Review status: criteria provided, single submitter. Criteria: ACMG Guidelines, 2015. Collection method: clinical testing. Allele origin: unknown. Not counted in ClinVar's aggregate classification.

Color Diagnostics, LLC DBA Color Health
Classification: Pathogenic for Hereditary cancer-predisposing syndrome. Last evaluated: 2024-02-29. Review status: criteria provided, single submitter. Criteria: ACMG Guidelines, 2015. Collection method: clinical testing. Allele origin: germline. Not counted in ClinVar's aggregate classification.
Comment: This variant deletes 19 nucleotides in exon 15 of the BRCA1 gene, creating a frameshift and premature translation stop signal. This variant is expected to result in an absent or non-functional protein product. This variant has been reported in at least ten individuals affected with breast and/or ovarian cancer (PMID: 11462242, 16847550, 17221156, 18159056, 22711857, 26681312, 32854451) and in several dozens of suspected hereditary breast and ovarian cancer families (PMID: 9145677, 11938448, 26219728, 29446198, 30736435, 36329109). A haplotype analysis has indicated that this is a recurrent mutation and a possible founder mutation in Italy (PMID: 18228134). This variant has not been identified in the general population by the Genome Aggregation Database (gnomAD). Loss of BRCA1 function is a known mechanism of disease. Based on the available evidence, this variant is classified as Pathogenic.

Quest Diagnostics Nichols Institute San Juan Capistrano
Classification: Pathogenic. Last evaluated: 2023-08-07. Review status: criteria provided, single submitter. Criteria: Quest Diagnostics criteria. Collection method: clinical testing. Allele origin: unknown. Not counted in ClinVar's aggregate classification.
Comment: The BRCA1 c.4964_4982del (p.Ser1655Tyrfs*16) variant (also known as 5083del19) alters the translational reading frame of the BRCA1 mRNA and causes the premature termination of BRCA1 protein synthesis. In the published literature, this variant has been reported in individuals with breast/ovarian cancer and as a founder mutation in southern Italy (PMIDs: 32854451 (2020), 26219728 (2016), 26681312 (2015), 22711857 (2012), 11462242 (2001), 9145677 (1997)). This variant has not been reported in large, multi-ethnic general populations (Genome Aggregation Database). Based on the available information, this variant is classified as pathogenic.

Dasa
Classification: Pathogenic for Breast-ovarian cancer, familial, susceptibility to, 1. Last evaluated: 2022-03-05. Review status: criteria provided, single submitter. Criteria: ACMG Guidelines, 2015. Collection method: clinical testing. Allele origin: germline. Affected: yes. Observed: 1 variant allele. Not counted in ClinVar's aggregate classification.
Comment: The c.4964_4982del;p.(Ser1655Tyrfs*16) is a null frameshift variant (NMD) in the BRCA1 gene and predicts alteration of the nonsense-mediate decay - NMD is present in a relevant exon to the transcript - PVS1. Well-established in vitro or in vivo functional studies supportive of a damaging effect on the gene or gene product (PMID: 18980973) - PS3_supporting. This sequence change has been observed in affected individual(s) and ClinVar contains an entry for this variant (Clinvar ID: 37616; PMID: 29446198; PMID: 27067391; PMID: 26681312; PMID: 26219728; PMID: 22711857; PMID: 21702907; PMID: 23199084)PS4. This variant is not present in population databases (rs80359876- gnomAD; ABraOM no frequency.) - PM2. In summary, the currently available evidence indicates that the variant is pathogenic.

Institute for Clinical Genetics, University Hospital TU Dresden, University Hospital TU Dresden
Classification: Pathogenic. Last evaluated: 2021-11-03. Review status: criteria provided, single submitter. Criteria: ACMG Guidelines, 2015. Collection method: clinical testing. Allele origin: germline. Not counted in ClinVar's aggregate classification.

Genetics Program, Instituto Nacional de Cancer
Classification: Pathogenic for Hereditary breast ovarian cancer syndrome. Last evaluated: 2021-11-01. Review status: criteria provided, single submitter. Criteria: ACMG Guidelines, 2015. Collection method: research. Allele origin: germline. Affected: yes. Not counted in ClinVar's aggregate classification.

Women's Health and Genetics/Laboratory Corporation of America, LabCorp
Classification: Pathogenic for Hereditary breast ovarian cancer syndrome. Last evaluated: 2021-03-01. Review status: criteria provided, single submitter. Criteria: LabCorp Variant Classification Summary - May 2015. Collection method: clinical testing. Allele origin: germline. Not counted in ClinVar's aggregate classification.
Comment: Variant summary: BRCA1 c.4964_4982del19 (p.Ser1655TyrfsX16) results in a premature termination codon, predicted to cause a truncation of the encoded protein or absence of the protein due to nonsense mediated decay, which are commonly known mechanisms for disease. Truncations downstream of this position have been classified as pathogenic by our laboratory. The variant was absent in 250074 control chromosomes. c.4964_4982del19 has been reported in the literature in multiple individuals affected with Hereditary Breast And Ovarian Cancer Syndrome (example, Rebbeck_2018). These data indicate that the variant is very likely to be associated with disease. Thirteen clinical diagnostic laboratories, one expert panel (ENIGMA) and one consortium (CIMBA) have submitted clinical-significance assessments for this variant to ClinVar after 2014 without evidence for independent evaluation. All submitters classified the variant as pathogenic. Based on the evidence outlined above, the variant was classified as pathogenic.

GeneDx
Classification: Pathogenic. Last evaluated: 2020-11-04. Review status: criteria provided, single submitter. Criteria: GeneDx Variant Classification Process June 2021. Collection method: clinical testing. Allele origin: germline. Affected: yes. Not counted in ClinVar's aggregate classification.
Comment: Frameshift variant predicted to result in protein truncation or nonsense mediated decay in a gene for which loss-of-function is a known mechanism of disease; Not observed at a significant frequency in large population cohorts (Lek 2016); Truncating variants in this gene are considered pathogenic by a well-established clinical consortium and/or database; Also known as 5083del19; This variant is associated with the following publications: (PMID: 27741520, 9145677, 16847550, 11056688, 25415331, 23199084, 26219728, 21324516, 18159056, 11462242, 11938448, 17221156, 15340362, 22711857, 18980973, 24618965, 20608970, 26295337, 27067391, 27463008, 26976419, 26852130, 26681312, 28161869, 30736435, 31447099, 32854451)

Institute of Medical Genetics and Applied Genomics, University Hospital Tübingen
Classification: Pathogenic. Last evaluated: 2020-10-23. Review status: criteria provided, single submitter. Criteria: ACMG Guidelines, 2015. Collection method: clinical testing. Allele origin: germline. Inheritance: Unknown mechanism. Affected: yes. Not counted in ClinVar's aggregate classification.

Mendelics
Classification: Pathogenic for Hereditary breast and ovarian cancer syndrome. Last evaluated: 2018-07-02. Review status: criteria provided, single submitter. Criteria: Mendelics Assertion Criteria 2017. Collection method: clinical testing. Allele origin: unknown. Not counted in ClinVar's aggregate classification.